The following is an entry in ClinVar:

NM_144643.4(SCLT1):c.1964T>C (p.Leu655Pro)

Gene: SCLT1 (sodium channel and clathrin linker 1; minus strand). Cytogenetic location: 4q28.2.
Variant type: single nucleotide variant.
Coding change: c.1964T>C on transcript NM_144643.4 (MANE Select); coding-DNA position 1964, T replaced by C.
Protein change: p.Leu655Pro; replaces leucine 655 with proline.
Molecular consequence: missense variant.
Genome position (GRCh38, 1-based): chr4:128,888,719, A>G on the plus strand (T>C on the coding strand, the complement: SCLT1 is on the minus strand). VCF-style: chr4-128888719-A-G. GRCh37 (hg19) VCF-style: chr4-129809874-A-G.
Other names: short protein forms L655P.
Identifiers: ClinVar variation 1713280 (VCV001713280.5), dbSNP rs2530085662, ClinGen allele CA358187552.

ClinVar aggregate classification (germline): Uncertain significance (1 of 4 stars; one submission).

Submission:

Labcorp Genetics (formerly Invitae), Labcorp
Classification: Uncertain significance. Last evaluated: 2022-07-14. Review status: criteria provided, single submitter. Criteria: Invitae Variant Classification Sherloc (09022015). Collection method: clinical testing. Allele origin: germline.
Comment: In summary, the available evidence is currently insufficient to determine the role of this variant in disease. Therefore, it has been classified as a Variant of Uncertain Significance. Algorithms developed to predict the effect of missense changes on protein structure and function are either unavailable or do not agree on the potential impact of this missense change (SIFT: "Deleterious"; PolyPhen-2: "Probably Damaging"; Align-GVGD: "Class C0"). This variant has not been reported in the literature in individuals affected with SCLT1-related conditions. This variant is not present in population databases (gnomAD no frequency). This sequence change replaces leucine, which is neutral and non-polar, with proline, which is neutral and non-polar, at codon 655 of the SCLT1 protein (p.Leu655Pro).